The following is an entry in ClinVar:

ClinVar aggregate classification (germline): Likely pathogenic. Review status: criteria provided, single submitter (1 of 4 stars). 2 submissions from 2 submitters: Likely pathogenic (1). 1 of the submissions does not count toward it. Last evaluated 2025-09-25.

Conditions:
Autosomal recessive polycystic kidney disease (ARPKD). Also called: AR polycystic kidney disease. Identifiers: Orphanet 731, Orphanet 8378, MedGen C0085548, MeSH D017044, MONDO:0009889.
Polycystic kidney disease 4 (PKD4). Also called: POLYCYSTIC KIDNEY DISEASE 4 WITH OR WITHOUT POLYCYSTIC LIVER DISEASE; POLYCYSTIC KIDNEY AND HEPATIC DISEASE 1; POLYCYSTIC KIDNEY DISEASE, INFANTILE, TYPE I; PKD3; Autosomal Recessive Polycystic Kidney Disease – PKHD1. Identifiers: MedGen C4540575, MONDO:0033004, OMIM 263200.

Allele frequency attached by ClinVar (database versions not stated): TOPMed below 0.00001.

Submissions (2):

Natera, Inc.
Classification: Likely pathogenic for Autosomal recessive polycystic kidney disease. Last evaluated: 2025-09-25. Review status: criteria provided, single submitter. Criteria: Natera Variant Classification Schema (03/2026). Collection method: clinical testing. Allele origin: germline.
Comment: The c.11311-2A>G variant in PKHD1 is a canonical splice acceptor site variant predicted to affect pre-mRNA splicing, which may result in an abnormal transcript and altered protein product. This variant is expected to result in nonsense mediated decay, truncation, or a dysfunctional protein product. This variant is rare in the general population with a frequency below the threshold expected for the associated phenotype(s). Given the available evidence, this variant is classified as Likely Pathogenic.

Counsyl
Classification: Likely pathogenic for Polycystic kidney disease 4. Last evaluated: 2018-01-11. Review status: no assertion criteria provided. Collection method: clinical testing. Allele origin: unknown. Not counted in ClinVar's aggregate classification.

NM_138694.4(PKHD1):c.11311-2A>G

Gene: PKHD1 (PKHD1 ciliary IPT domain containing fibrocystin/polyductin; minus strand). Cytogenetic location: 6p12.3.
Variant type: single nucleotide variant.
Coding change: c.11311-2A>G on transcript NM_138694.4 (MANE Select); the canonical splice acceptor site of the intron before coding-DNA position 11311, A replaced by G.
Molecular consequence: splice acceptor variant.
Genome position (GRCh38, 1-based): chr6:51,648,120, T>C on the plus strand (A>G on the coding strand, the complement: PKHD1 is on the minus strand). VCF-style: chr6-51648120-T-C. GRCh37 (hg19) VCF-style: chr6-51512918-T-C.
Identifiers: ClinVar variation 556082 (VCV000556082.3), dbSNP rs1554174903, ClinGen allele CA364425554.